The following is an entry in ClinVar:

NM_020738.4(KIDINS220):c.2864C>G (p.Ala955Gly)

Gene: KIDINS220 (kinase D interacting substrate 220; minus strand). Cytogenetic location: 2p25.1.
Variant type: single nucleotide variant.
Coding change: c.2864C>G on transcript NM_020738.4 (MANE Select); coding-DNA position 2864, C replaced by G.
Protein change: p.Ala955Gly; replaces alanine 955 with glycine.
Molecular consequence: missense variant. On other transcripts: non-coding transcript variant (2).
Genome position (GRCh38, 1-based): chr2:8,770,817, G>C on the plus strand (C>G on the coding strand, the complement: KIDINS220 is on the minus strand). VCF-style: chr2-8770817-G-C. GRCh37 (hg19) VCF-style: chr2-8910947-G-C.
Other names: c.2864C>G (NM_020738.2); c.2867C>G, p.Ala956Gly (NM_001348729.2, NM_001348731.2, NM_001348734.2 and 3 more transcripts); c.2864C>G, p.Ala955Gly (NM_001348732.2, NM_001348735.2, NM_001348738.2 and 3 more transcripts); c.2738C>G, p.Ala913Gly (NM_001348736.2); short protein forms A956G, A913G, A955G.
Identifiers: ClinVar variation 1968136 (VCV001968136.6), dbSNP rs749686835, ClinGen allele CA1519856.

ClinVar aggregate classification (germline): Uncertain significance. Review status: criteria provided, multiple submitters, no conflicts (2 of 4 stars). 2 submissions from 2 submitters: Uncertain significance (2). Last evaluated 2022-09-17.

Conditions:
KIDINS220-related disorder. Also called: KIDINS220-related condition.

Allele frequency attached by ClinVar (database versions not stated): ExAC 0.00001; gnomAD exomes 0.00001.
gnomAD v4.1: 9 of 1,598,122 alleles (0.00056%); highest among the groups gnomAD compares: Non-Finnish European, 0.0006%; no homozygotes.

Submissions (2):

Labcorp Genetics (formerly Invitae), Labcorp
Classification: Uncertain significance. Last evaluated: 2022-09-17. Review status: criteria provided, single submitter. Criteria: Invitae Variant Classification Sherloc (09022015). Collection method: clinical testing. Allele origin: germline.
Comment: In summary, the available evidence is currently insufficient to determine the role of this variant in disease. Therefore, it has been classified as a Variant of Uncertain Significance. Algorithms developed to predict the effect of missense changes on protein structure and function are either unavailable or do not agree on the potential impact of this missense change (SIFT: "Deleterious"; PolyPhen-2: "Benign"; Align-GVGD: "Class C55"). This variant has not been reported in the literature in individuals affected with KIDINS220-related conditions. This variant is present in population databases (rs749686835, gnomAD 0.002%). This sequence change replaces alanine, which is neutral and non-polar, with glycine, which is neutral and non-polar, at codon 955 of the KIDINS220 protein (p.Ala955Gly).

PreventionGenetics, part of Exact Sciences
Classification: Uncertain significance for KIDINS220-related condition. Last evaluated: 2022-08-25. Review status: criteria provided, single submitter. Criteria: ACMG Guidelines, 2015. Collection method: clinical testing. Allele origin: germline.
Comment: The KIDINS220 c.2864C>G variant is predicted to result in the amino acid substitution p.Ala955Gly. To our knowledge, this variant has not been reported in the literature. This variant is reported in 0.0018% of alleles in individuals of European (Non-Finnish) descent in gnomAD. At this time, the clinical significance of this variant is uncertain due to the absence of conclusive functional and genetic evidence.